The following is an entry in ClinVar:

ClinVar aggregate classification (germline): Uncertain significance (1 of 4 stars; one submission).

Conditions:
Norman-Roberts syndrome (LIS2). Also called: Lissencephaly 2 (Norman-Roberts type). Identifiers: Orphanet 89844, MedGen C0796089, MONDO:0009760, OMIM 257320.
Familial temporal lobe epilepsy 7. Identifiers: Orphanet 101046, MedGen C4225327, MONDO:0014639, OMIM 616436.

gnomAD v4.1: 2 of 1,613,914 alleles (0.00012%); highest among the groups gnomAD compares: African/African-American, 0.0013%; no homozygotes.

Submission:

Labcorp Genetics (formerly Invitae), Labcorp
Classification: Uncertain significance for Familial temporal lobe epilepsy 7; Norman-Roberts syndrome. Last evaluated: 2023-02-18. Review status: criteria provided, single submitter. Criteria: Invitae Variant Classification Sherloc (09022015). Collection method: clinical testing. Allele origin: germline.
Comment: In summary, the available evidence is currently insufficient to determine the role of this variant in disease. Therefore, it has been classified as a Variant of Uncertain Significance. This sequence change replaces proline, which is neutral and non-polar, with arginine, which is basic and polar, at codon 2875 of the RELN protein (p.Pro2875Arg). This variant is not present in population databases (gnomAD no frequency). This variant has not been reported in the literature in individuals affected with RELN-related conditions. ClinVar contains an entry for this variant (Variation ID: 1516728). Advanced modeling of protein sequence and biophysical properties (such as structural, functional, and spatial information, amino acid conservation, physicochemical variation, residue mobility, and thermodynamic stability) performed at Invitae indicates that this missense variant is not expected to disrupt RELN protein function.

NM_005045.4(RELN):c.8624C>G (p.Pro2875Arg)

Genes: RELN (reelin; minus strand), SLC26A5-AS1 (SLC26A5 antisense RNA 1; plus strand). Cytogenetic location: 7q22.1.
Variant type: single nucleotide variant.
Coding change: c.8624C>G on transcript NM_005045.4 (MANE Select); coding-DNA position 8624, C replaced by G.
Protein change: p.Pro2875Arg; replaces proline 2875 with arginine.
Molecular consequence: missense variant.
Genome position (GRCh38, 1-based): chr7:103,500,788, G>C on the plus strand (C>G on the coding strand, the complement: RELN is on the minus strand). VCF-style: chr7-103500788-G-C. GRCh37 (hg19) VCF-style: chr7-103141235-G-C.
Other names: c.8624C>G, p.Pro2875Arg (NM_173054.3); short protein forms P2875R.
Identifiers: ClinVar variation 1516728 (VCV001516728.6), dbSNP rs761738403, ClinGen allele CA163911853.